The following is an entry in ClinVar:

ClinVar aggregate classification (germline): Conflicting classifications of pathogenicity. Review status: criteria provided, conflicting classifications (1 of 4 stars). 2 submissions from 2 submitters: Uncertain significance (1); Likely benign (1). Last evaluated 2023-12-06.

Conditions:
Cardiovascular phenotype. Identifiers: MedGen CN230736.
Dilated cardiomyopathy 1DD (CMD1DD). Identifiers: Orphanet 154, MedGen C2750995, MONDO:0013168, OMIM 613172.

Allele frequency attached by ClinVar (database versions not stated): gnomAD 0.00001.
gnomAD v4.1: 2 of 1,551,412 alleles (0.00013%); highest among the groups gnomAD compares: South Asian, 0.0024%; no homozygotes.

Submissions (2):

Labcorp Genetics (formerly Invitae), Labcorp
Classification: Likely benign for Dilated cardiomyopathy 1DD. Last evaluated: 2023-12-06. Review status: criteria provided, single submitter. Criteria: Invitae Variant Classification Sherloc (09022015). Collection method: clinical testing. Allele origin: germline.

Ambry Genetics
Classification: Uncertain significance for Cardiovascular phenotype. Last evaluated: 2023-10-21. Review status: criteria provided, single submitter. Criteria: Ambry Variant Classification Scheme 2023. Collection method: clinical testing. Allele origin: germline.
Comment: The p.H795Q variant (also known as c.2385C>A), located in coding exon 9 of the RBM20 gene, results from a C to A substitution at nucleotide position 2385. The histidine at codon 795 is replaced by glutamine, an amino acid with highly similar properties. This amino acid position is conserved. In addition, this alteration is predicted to be tolerated by in silico analysis. Since supporting evidence is limited at this time, the clinical significance of this alteration remains unclear.

NM_001134363.3(RBM20):c.2385C>A (p.His795Gln)

Gene: RBM20 (RNA binding motif protein 20; plus strand). Cytogenetic location: 10q25.2.
Variant type: single nucleotide variant.
Coding change: c.2385C>A on transcript NM_001134363.3 (MANE Select); coding-DNA position 2385, C replaced by A.
Protein change: p.His795Gln; replaces histidine 795 with glutamine.
Molecular consequence: missense variant.
Genome position (GRCh38, 1-based): chr10:110,812,782, C>A. VCF-style: chr10-110812782-C-A. GRCh37 (hg19) VCF-style: chr10-112572540-C-A.
Other names: short protein forms H795Q.
Identifiers: ClinVar variation 1469609 (VCV001469609.8), dbSNP rs781166982, ClinGen allele CA378373687.
Genomic context (GRCh38, chr10:110,812,782, plus strand): 5'-GCAGGATGCCCCCGGGAGGTCCAGGAGGAAAGACGAGGCCAGGCTGCGGGAAAGCAGACA[C>A]CCCCATCCGGATGACTCAGGCAAGGAAGATGGGCTGGGGCCAAAGGTCACTAGGGCCCCT-3'
Protein context (NP_001127835.2, residues 785-805): KDEARLRESR[His795Gln]PHPDDSGKED